The following is an entry in ClinVar:

NM_002292.4(LAMB2):c.950G>A (p.Arg317His)

Gene: LAMB2 (laminin subunit beta 2; minus strand). Cytogenetic location: 3p21.31.
Variant type: single nucleotide variant.
Coding change: c.950G>A on transcript NM_002292.4 (MANE Select); coding-DNA position 950, G replaced by A.
Protein change: p.Arg317His; replaces arginine 317 with histidine.
Molecular consequence: missense variant.
Genome position (GRCh38, 1-based): chr3:49,130,826, C>T on the plus strand (G>A on the coding strand, the complement: LAMB2 is on the minus strand). VCF-style: chr3-49130826-C-T. GRCh37 (hg19) VCF-style: chr3-49168259-C-T.
Other names: c.950G>A (NM_002292.3); short protein forms R317H.
Identifiers: ClinVar variation 1489609 (VCV001489609.9), dbSNP rs144771072, ClinGen allele CA2394742.
Genomic context (GRCh38, chr3:49,130,826, plus strand): 5'-TCAGCCGGACGCCAGGGCAGGTCACGATAGAAATCCTGACACTGCTCGCAGTTGAGGCCA[C>T]GTGTGTTGTGTTTGCAGATGCAAGCTCCGTGCACCTATAGAGGTTGGCAGGTAGGTTGTC-3'
Protein context (NP_002283.3, residues 307-327): HGACICKHNT[Arg317His]GLNCEQCQDF

ClinVar aggregate classification (germline): Uncertain significance. Review status: criteria provided, multiple submitters, no conflicts (2 of 4 stars). 2 submissions from 2 submitters: Uncertain significance (2). Last evaluated 2025-04-10.

Conditions:
Inborn genetic diseases. Identifiers: MedGen C0950123, MeSH D030342.
LAMB2-related infantile-onset nephrotic syndrome. Also called: NEPHROTIC SYNDROME, TYPE 5, WITHOUT OCULAR ABNORMALITIES; NEPHROTIC SYNDROME, TYPE 5, WITH OCULAR ABNORMALITIES; Nephrotic Syndrome, type 5. Identifiers: Orphanet 306507, MedGen C3280113, MONDO:0013621, OMIM 614199.
Pierson syndrome. Also called: MICROCORIA-CONGENITAL NEPHROTIC SYNDROME. Identifiers: Orphanet 2670, MedGen C1836876, MONDO:0012184, OMIM 609049.

Allele frequency attached by ClinVar (database versions not stated): gnomAD 0.00001; ExAC 0.00002; TOPMed 0.00002; gnomAD exomes 0.00003; ESP Exome Variant Server 0.00008.
gnomAD v4.1: 29 of 1,614,052 alleles (0.0018%); highest among the groups gnomAD compares: Admixed American, 0.005%; no homozygotes.

Submissions (2):

Ambry Genetics
Classification: Uncertain significance for Inborn genetic diseases. Last evaluated: 2025-04-10. Review status: criteria provided, single submitter. Criteria: Ambry Variant Classification Scheme 2023. Collection method: clinical testing. Allele origin: germline.

Labcorp Genetics (formerly Invitae), Labcorp
Classification: Uncertain significance for LAMB2-related infantile-onset nephrotic syndrome; Pierson syndrome. Last evaluated: 2022-03-29. Review status: criteria provided, single submitter. Criteria: Invitae Variant Classification Sherloc (09022015). Collection method: clinical testing. Allele origin: germline.
Comment: In summary, the available evidence is currently insufficient to determine the role of this variant in disease. Therefore, it has been classified as a Variant of Uncertain Significance. Algorithms developed to predict the effect of missense changes on protein structure and function are either unavailable or do not agree on the potential impact of this missense change (SIFT: "Deleterious"; PolyPhen-2: "Possibly Damaging"; Align-GVGD: "Class C0"). This variant has not been reported in the literature in individuals affected with LAMB2-related conditions. This variant is present in population databases (rs144771072, gnomAD 0.006%). This sequence change replaces arginine, which is basic and polar, with histidine, which is basic and polar, at codon 317 of the LAMB2 protein (p.Arg317His).